The following is an entry in ClinVar:

NM_005548.3(KARS1):c.829G>T (p.Gly277Ter)

Gene: KARS1 (lysyl-tRNA synthetase 1; minus strand). Cytogenetic location: 16q23.1.
Variant type: single nucleotide variant.
Coding change: c.829G>T on transcript NM_005548.3 (MANE Select); coding-DNA position 829, G replaced by T.
Protein change: p.Gly277Ter; replaces glycine 277 with a stop codon.
Molecular consequence: nonsense.
Genome position (GRCh38, 1-based): chr16:75,634,259, C>A on the plus strand (G>T on the coding strand, the complement: KARS1 is on the minus strand). VCF-style: chr16-75634259-C-A. GRCh37 (hg19) VCF-style: chr16-75668157-C-A.
Other names: c.913G>T, p.Gly305Ter (NM_001130089.2); c.361G>T, p.Gly121Ter (NM_001378148.1); short protein forms G121*, G277*, G305*.
Identifiers: ClinVar variation 4536024 (VCV004536024.1).
Genomic context (GRCh38, chr16:75,634,259, plus strand): 5'-TCATATATAAGTTCATGTCCAGCTCGTTGTGATAAGTGATGAAAGGCTTGGCCACGGCTC[C>A]CCCTGGGATGATGTTCATCATGGGAGTTTCAATCTAAAAAAGGCAGGGAGAAACATCAGT-3'

ClinVar aggregate classification (germline): Pathogenic (1 of 4 stars; one submission).

Conditions:
Leukoencephalopathy, progressive, infantile-onset, with or without deafness. Identifiers: MedGen C5542996, MONDO:0030893, OMIM 619147.

Submission:

Women's Health and Genetics/Laboratory Corporation of America, LabCorp
Classification: Pathogenic for Leukoencephalopathy, progressive, infantile-onset, with or without deafness. Last evaluated: 2025-09-23. Review status: criteria provided, single submitter. Criteria: LabCorp Variant Classification Summary - May 2015. Collection method: clinical testing. Allele origin: germline.
Comment: Variant summary: KARS1 c.913G>T (p.Gly305X) results in a premature termination codon, predicted to cause a truncation of the encoded protein or absence of the protein due to nonsense mediated decay, which are commonly known mechanisms for disease. The variant was absent in 1613766 control chromosomes. To our knowledge, no occurrence of c.913G>T in individuals affected with KARS1-related conditions and no experimental evidence demonstrating its impact on protein function have been reported. No submitters have cited clinical-significance assessments for this variant to ClinVar. Based on the evidence outlined above, the variant was classified as pathogenic.